The following is an entry in ClinVar:

ClinVar aggregate classification (germline): Uncertain significance (1 of 4 stars; one submission).

Conditions:
Hereditary cancer-predisposing syndrome. Also called: Neoplastic Syndromes, Hereditary; Tumor predisposition; Hereditary Cancer Syndrome; Hereditary neoplastic syndrome. Identifiers: Orphanet 140162, MedGen C0027672, MeSH D009386, MONDO:0015356.

Submission:

Ambry Genetics
Classification: Uncertain significance for Hereditary cancer-predisposing syndrome. Last evaluated: 2026-07-30. Review status: criteria provided, single submitter. Criteria: Ambry Variant Classification Scheme 2023. Collection method: clinical testing. Allele origin: germline.
Comment: The p.F83C variant (also known as c.248T>G), located in coding exon 2 of the PTCH1 gene, results from a T to G substitution at nucleotide position 248. The phenylalanine at codon 83 is replaced by cysteine, an amino acid with highly dissimilar properties. This amino acid position is conserved. In addition, this alteration is predicted to be deleterious by in silico analysis. Based on the available evidence, the clinical significance of this variant remains unclear.

NM_000264.5(PTCH1):c.248T>G (p.Phe83Cys)

Gene: PTCH1 (patched 1; minus strand). Cytogenetic location: 9q22.32.
Variant type: single nucleotide variant.
Coding change: c.248T>G on transcript NM_000264.5 (MANE Select); coding-DNA position 248, T replaced by G.
Protein change: p.Phe83Cys; replaces phenylalanine 83 with cysteine.
Molecular consequence: missense variant. On other transcripts: non-coding transcript variant (1), 5 prime UTR variant (4).
Genome position (GRCh38, 1-based): chr9:95,506,553, A>C on the plus strand (T>G on the coding strand, the complement: PTCH1 is on the minus strand). VCF-style: chr9-95506553-A-C. GRCh37 (hg19) VCF-style: chr9-98268835-A-C.
Other names: c.50T>G, p.Phe17Cys (NM_001083602.3, NM_001354919.2); c.245T>G, p.Phe82Cys (NM_001083603.3); c.-206T>G (NM_001083604.3, NM_001083605.3, NM_001083606.3 and 1 more transcripts); c.248T>G, p.Phe83Cys (NM_001354918.2); short protein forms F82C, F83C, F17C.
Identifiers: ClinVar variation 4826365 (VCV004826365.2).